The following is an entry in ClinVar:

NM_014694.4(ADAMTSL2):c.338G>T (p.Arg113Leu)

Gene: ADAMTSL2 (ADAMTS like 2; plus strand). Cytogenetic location: 9q34.2.
Variant type: single nucleotide variant.
Coding change: c.338G>T on transcript NM_014694.4 (MANE Select); coding-DNA position 338, G replaced by T.
Protein change: p.Arg113Leu; replaces arginine 113 with leucine.
Molecular consequence: missense variant.
Genome position (GRCh38, 1-based): chr9:133,539,799, G>T. VCF-style: chr9-133539799-G-T. GRCh37 (hg19) VCF-style: chr9-136404921-G-T.
Other names: c.338G>T, p.Arg113Leu (NM_001145320.2); c.338G>T (NM_001145320.1); short protein forms R113L.
Identifiers: ClinVar variation 1326072 (VCV001326072.4), dbSNP rs113994122, ClinGen allele CA375402395.
Genomic context (GRCh38, chr9:133,539,799, plus strand): 5'-TCCCGGAGCCTCCCTGTCCCTTCGCTTCCCAGGAGTGTCCGCCGGACGGGAGGAGCTTCC[G>T]CGAGGAGCAGTGCGTCTCCTTCAACTCCCACGTGTACAACGGGCGGACGCACCAGTGGAA-3'
Protein context (NP_055509.2, residues 103-123): QECPPDGRSF[Arg113Leu]EEQCVSFNSH

ClinVar aggregate classification (germline): Likely pathogenic. Review status: criteria provided, multiple submitters, no conflicts (2 of 4 stars). 3 submissions from 3 submitters: Likely pathogenic (3). Last evaluated 2024-03-25.

Conditions:
Geleophysic dysplasia 1 (GPHYSD1). Also called: Geleophysic dwarfism. Identifiers: Orphanet 2623, MedGen C3278147, MONDO:0009269, OMIM 231050.

gnomAD v4.1: 5 of 1,543,088 alleles (0.00032%); highest among the groups gnomAD compares: Admixed American, 0.004%; no homozygotes.

Submissions (3):

Genomic Medicine Center of Excellence, King Faisal Specialist Hospital and Research Centre
Classification: Likely pathogenic for Geleophysic dysplasia 1. Last evaluated: 2024-03-25. Review status: criteria provided, single submitter. Criteria: ACMG Guidelines, 2015. Collection method: clinical testing. Allele origin: germline.

GeneDx
Classification: Likely pathogenic. Last evaluated: 2021-05-17. Review status: criteria provided, single submitter. Criteria: GeneDx Variant Classification Process June 2021. Collection method: clinical testing. Allele origin: germline. Affected: yes.
Comment: Not observed at a significant frequency in large population cohorts (Lek et al., 2016); In silico analysis supports that this missense variant has a deleterious effect on protein structure/function; This variant is associated with the following publications: (PMID: 27124789, 29620724, 24192049, 30415012)

Rady Children's Institute for Genomic Medicine, Rady Children's Hospital San Diego
Classification: Likely pathogenic for GELEOPHYSIC DYSPLASIA 1. Review status: criteria provided, single submitter. Criteria: ACMG Guidelines, 2015. Collection method: clinical testing. Allele origin: germline. Affected: yes.
Comment: This variant has been previously reported as a compound heterozygous or homozygous change in patients with geleophysic dysplasia (PMID: 27124789, 29620724). A different missense change at the same residue has also been reported in an individual with geleophysic dysplasia (PMID: 18677313). It is present in the heterozygous state in the gnomAD population database at a frequency of 0.001% (2/155946) and thus is presumed to be rare. The c.338G>T (p.Arg113Leu) variant affects a highly conserved amino acid and is predicted by multiple in silico tools to have a deleterious effect on protein function. Based on the available evidence, the c.338G>T (p.Arg113Leu) variant is classified as Likely Pathogenic.